The following is an entry in ClinVar:

NM_014043.4(CHMP2B):c.122del (p.Gln41fs)

Gene: CHMP2B (charged multivesicular body protein 2B; plus strand). Cytogenetic location: 3p11.2.
Variant type: Deletion.
Coding change: c.122del on transcript NM_014043.4 (MANE Select); coding-DNA position 122, one base deleted (A; older notation c.122delA).
Protein change: p.Gln41fs; shifts the reading frame from glutamine 41.
Molecular consequence: frameshift variant. On other transcripts: intron variant (1).
Genome position (GRCh38, 1-based): chr3:87,240,786, A deleted. VCF-style (leftmost placement, unchanged base first): chr3-87240785-CA-C. GRCh37 (hg19) VCF-style: chr3-87289935-CA-C.
Other names: c.218del, p.Gln73fs (NM_001410777.1); c.4-4928del (NM_001244644.2); short protein forms Q41fs, Q73fs.
Identifiers: ClinVar variation 2635632 (VCV002635632.1), dbSNP rs1161929886, ClinGen allele CA544796386.

ClinVar aggregate classification (germline): Uncertain significance (1 of 4 stars; one submission).

Conditions:
CHMP2B-related disorder. Also called: CHMP2B-related condition.

Allele frequency attached by ClinVar (database versions not stated): gnomAD exomes 0.00001; TOPMed 0.00001.

Submission:

PreventionGenetics, part of Exact Sciences
Classification: Uncertain significance for CHMP2B-related condition. Last evaluated: 2023-03-21. Review status: criteria provided, single submitter. Criteria: ACMG Guidelines, 2015. Collection method: clinical testing. Allele origin: germline.
Comment: The CHMP2B c.122delA variant is predicted to result in a frameshift and premature protein termination (p.Gln41Argfs*4). To our knowledge, this variant has not been reported in the literature. This variant is reported in 0.0018% of alleles in individuals of European (Non-Finnish) descent in gnomAD. This variant resides in an exon that is alternatively spliced and not present in another transcript isoform (NM_001244644.1). A different nonsense variant in the same exon, c.64C>T (p.Arg22*) was previously reported in a patient with frontotemporal dementia but was interpreted as uncertain (Ramos et al. 2020. PubMed ID: 31914217). Although we suspect that this variant may be pathogenic, at this time, the clinical significance of this variant is uncertain due to the absence of conclusive functional and genetic evidence.